The following is an entry in ClinVar:

NM_000038.6(APC):c.2806A>T (p.Asn936Tyr)

Gene: APC (APC regulator of Wnt signaling pathway; plus strand). Cytogenetic location: 5q22.2.
Variant type: single nucleotide variant.
Coding change: c.2806A>T on transcript NM_000038.6 (MANE Select); coding-DNA position 2806, A replaced by T.
Protein change: p.Asn936Tyr; replaces asparagine 936 with tyrosine.
Molecular consequence: missense variant. On other transcripts: non-coding transcript variant (2).
Genome position (GRCh38, 1-based): chr5:112,838,400, A>T. VCF-style: chr5-112838400-A-T. GRCh37 (hg19) VCF-style: chr5-112174097-A-T.
Other names: c.2806A>T, p.Asn936Tyr (NM_001127510.3, NM_001354895.2, NM_001407450.1); c.2836A>T, p.Asn946Tyr (NM_001354897.2); c.2731A>T, p.Asn911Tyr (NM_001354898.2); c.2722A>T, p.Asn908Tyr (NM_001354899.2); c.2752A>T, p.Asn918Tyr (NM_001127511.3); c.2860A>T, p.Asn954Tyr (NM_001354896.2, NM_001407447.1, NM_001407448.1 and 1 more transcripts); c.2683A>T, p.Asn895Tyr (NM_001354900.2); c.2629A>T, p.Asn877Tyr (NM_001354901.2, NM_001407453.1); and 11 more; short protein forms N653Y, N853Y, N929Y, N776Y, N845Y, N946Y, N954Y, N807Y.
Identifiers: ClinVar variation 2883263 (VCV002883263.3), dbSNP rs2149877883, ClinGen allele CA16027450.
Genomic context (GRCh38, chr5:112,838,400, plus strand): 5'-ACAGATGAGAGAAATGCACTTAGAAGAAGCTCTGCTGCCCATACACATTCAAACACTTAC[A>T]ATTTCACTAAGTCGGAAAATTCAAATAGGACATGTTCTATGCCTTATGCCAAATTAGAAT-3'
Protein context (NP_000029.2, residues 926-946): SAAHTHSNTY[Asn936Tyr]FTKSENSNRT

ClinVar aggregate classification (germline): Uncertain significance (1 of 4 stars; one submission).

Conditions:
Familial adenomatous polyposis 1 (FAP1). Also called: FAMILIAL ADENOMATOUS POLYPOSIS 1, ATTENUATED; POLYPOSIS, ADENOMATOUS INTESTINAL. Identifiers: MedGen C2713442, MONDO:0021056, OMIM 175100. Disease mechanism: loss of function.

Submission:

Labcorp Genetics (formerly Invitae), Labcorp
Classification: Uncertain significance for Familial adenomatous polyposis 1. Last evaluated: 2023-10-09. Review status: criteria provided, single submitter. Criteria: Invitae Variant Classification Sherloc (09022015). Collection method: clinical testing. Allele origin: germline.
Comment: This sequence change replaces asparagine, which is neutral and polar, with tyrosine, which is neutral and polar, at codon 936 of the APC protein (p.Asn936Tyr). This variant is not present in population databases (gnomAD no frequency). This variant has not been reported in the literature in individuals affected with APC-related conditions. Advanced modeling of protein sequence and biophysical properties (such as structural, functional, and spatial information, amino acid conservation, physicochemical variation, residue mobility, and thermodynamic stability) performed at Invitae indicates that this missense variant is not expected to disrupt APC protein function. In summary, the available evidence is currently insufficient to determine the role of this variant in disease. Therefore, it has been classified as a Variant of Uncertain Significance.